The following is an entry in ClinVar:

NM_007294.4(BRCA1):c.5193+2256C>G

Gene: BRCA1 (BRCA1 DNA repair associated; minus strand). Cytogenetic location: 17q21.31.
Variant type: single nucleotide variant.
Coding change: c.5193+2256C>G on transcript NM_007294.4 (MANE Select); 2256 bases into the intron after coding-DNA position 5193, C replaced by G.
Molecular consequence: intron variant.
Genome position (GRCh38, 1-based): chr17:43,061,077, G>C on the plus strand (C>G on the coding strand, the complement: BRCA1 is on the minus strand). VCF-style: chr17-43061077-G-C. GRCh37 (hg19) VCF-style: chr17-41213094-G-C.
Other names: IVS 19+2256C>G; c.1353+2256C>G (NM_001408513.1); c.1617+2256C>G (NM_001408503.1, NM_001408502.1, NM_001408504.1); c.5049+2256C>G (NM_001407943.1, NM_001407748.1, NM_001407752.1 and 21 more transcripts); c.1620+2256C>G (NM_001408500.1, NM_001408497.1, NM_001408496.1 and 3 more transcripts); c.4929+2256C>G (NM_001407921.1, NM_001407926.1, NM_001407924.1 and 4 more transcripts); c.1740+2256C>G (NM_001408466.1, NM_001408460.1, NM_001408465.1 and 7 more transcripts); c.1743+2256C>G (NM_001408452.1, NM_001408457.1, NM_001408454.1 and 3 more transcripts); and 73 more.
Identifiers: ClinVar variation 209310 (VCV000209310.2), dbSNP rs141915184, ClinGen allele CA276282.
Genomic context (GRCh38, chr17:43,061,077, plus strand): 5'-TCAGGAGGCCAAGGCAGGAGAATTGCTTGAACCCAGGAGACAGAGTTTGCAGTGAGCCAA[G>C]ATTGTGCCACTGCACTCCAGCCTGGGGGATAGAGGGAGACACCATCTCAAAAAAACCAAA-3'

ClinVar aggregate classification (germline): Benign (3 of 4 stars; one submission).

Conditions:
Breast-ovarian cancer, familial, susceptibility to, 1 (BROVCA1). Also called: BRCA1 Hereditary Breast and Ovarian Cancer; OVARIAN CANCER, SUSCEPTIBILITY TO. Identifiers: Orphanet 145, MedGen C2676676, MONDO:0011450, OMIM 604370. Disease mechanism: loss of function.

Allele frequency attached by ClinVar (database versions not stated): gnomAD 0.00143 and 0.00148; 1000 Genomes Project 0.00160; TOPMed 0.00170; 1000 Genomes Project 30x 0.00250.
gnomAD v4.1: 214 of 152,236 alleles (0.14%); highest among the groups gnomAD compares: African/African-American, 0.5%; no homozygotes.

Submission:

Evidence-based Network for the Interpretation of Germline Mutant Alleles (ENIGMA)
Classification: Benign for Breast-ovarian cancer, familial 1. Last evaluated: 2015-01-12. Review status: reviewed by expert panel. Criteria: ENIGMA BRCA1/2 Classification Criteria (2015). Collection method: curation. Allele origin: germline.
Comment: Class 1 not pathogenic based on frequency >1% in an outbred sampleset. Frequency 0.0122 (African), derived from 1000 genomes (2012-04-30).